The following is an entry in ClinVar:

NM_139137.4(KCNC2):c.645G>A (p.Met215Ile)

Gene: KCNC2 (potassium voltage-gated channel subfamily C member 2; minus strand). Cytogenetic location: 12q21.1.
Variant type: single nucleotide variant.
Coding change: c.645G>A on transcript NM_139137.4 (MANE Select); coding-DNA position 645, G replaced by A.
Protein change: p.Met215Ile; replaces methionine 215 with isoleucine.
Molecular consequence: missense variant. On other transcripts: non-coding transcript variant (2).
Genome position (GRCh38, 1-based): chr12:75,207,339, C>T on the plus strand (G>A on the coding strand, the complement: KCNC2 is on the minus strand). VCF-style: chr12-75207339-C-T. GRCh37 (hg19) VCF-style: chr12-75601119-C-T.
Other names: c.645G>A, p.Met215Ile (NM_001260497.2, NM_001260498.2, NM_001260499.2 and 13 more transcripts); short protein forms M215I.
Identifiers: ClinVar variation 3726101 (VCV003726101.2).

ClinVar aggregate classification (germline): Uncertain significance (1 of 4 stars; one submission).

Submission:

Labcorp Genetics (formerly Invitae), Labcorp
Classification: Uncertain significance. Last evaluated: 2024-11-26. Review status: criteria provided, single submitter. Criteria: Invitae Variant Classification Sherloc (09022015). Collection method: clinical testing. Allele origin: germline.
Comment: This sequence change replaces methionine, which is neutral and non-polar, with isoleucine, which is neutral and non-polar, at codon 215 of the KCNC2 protein (p.Met215Ile). This variant is not present in population databases (gnomAD no frequency). This variant has not been reported in the literature in individuals affected with KCNC2-related conditions. An algorithm developed to predict the effect of missense changes on protein structure and function (PolyPhen-2) suggests that this variant is likely to be tolerated. In summary, the available evidence is currently insufficient to determine the role of this variant in disease. Therefore, it has been classified as a Variant of Uncertain Significance.